The following is an entry in ClinVar:

NM_001939.3(DRP2):c.554G>T (p.Ser185Ile)

Gene: DRP2 (dystrophin related protein 2; plus strand). Cytogenetic location: Xq22.1.
Variant type: single nucleotide variant.
Coding change: c.554G>T on transcript NM_001939.3 (MANE Select); coding-DNA position 554, G replaced by T.
Protein change: p.Ser185Ile; replaces serine 185 with isoleucine.
Molecular consequence: missense variant.
Genome position (GRCh38, 1-based): chrX:101,239,096, G>T. VCF-style: chrX-101239096-G-T. GRCh37 (hg19) VCF-style: chrX-100494085-G-T.
Other names: c.320G>T, p.Ser107Ile (NM_001171184.2); short protein forms S107I, S185I.
Identifiers: ClinVar variation 3674718 (VCV003674718.2).
Genomic context (GRCh38, chrX:101,239,096, plus strand): 5'-CAGCTCAGGCCTTCCTGTCCCAGCACCCATTTGAGGAGTTAGAGGAGCCTCATTCTGAGA[G>T]CAAAGGTAGGTGGTCTTCTGTTTTTCCCACTTCTTCTTGAGCCATGTACTGCTGAATGCT-3'
Protein context (NP_001930.2, residues 175-195): FEELEEPHSE[Ser185Ile]KDTSPKQRIQ

ClinVar aggregate classification (germline): Uncertain significance (1 of 4 stars; one submission).

gnomAD v4.1: 7 of 1,206,883 alleles (0.00058%); highest among the groups gnomAD compares: Non-Finnish European, 0.00078%; no homozygotes.

Submission:

Labcorp Genetics (formerly Invitae), Labcorp
Classification: Uncertain significance. Last evaluated: 2024-08-08. Review status: criteria provided, single submitter. Criteria: Invitae Variant Classification Sherloc (09022015). Collection method: clinical testing. Allele origin: germline.
Comment: This sequence change replaces serine, which is neutral and polar, with isoleucine, which is neutral and non-polar, at codon 185 of the DRP2 protein (p.Ser185Ile). This variant is not present in population databases (gnomAD no frequency). This variant has not been reported in the literature in individuals affected with DRP2-related conditions. Advanced modeling of protein sequence and biophysical properties (such as structural, functional, and spatial information, amino acid conservation, physicochemical variation, residue mobility, and thermodynamic stability) performed at Invitae indicates that this missense variant is not expected to disrupt DRP2 protein function with a negative predictive value of 80%. In summary, the available evidence is currently insufficient to determine the role of this variant in disease. Therefore, it has been classified as a Variant of Uncertain Significance.